The following is an entry in ClinVar:

NM_013450.4(BAZ2B):c.1293+6T>A

Genes: BAZ2B (bromodomain adjacent to zinc finger domain 2B; minus strand), LOC126806391 (MED14-independent group 3 enhancer GRCh37_chr2:160294250-160295449; plus strand). Cytogenetic location: 2q24.2.
Variant type: single nucleotide variant.
Coding change: c.1293+6T>A on transcript NM_013450.4 (MANE Select); 6 bases into the intron after coding-DNA position 1293, T replaced by A.
Molecular consequence: intron variant.
Genome position (GRCh38, 1-based): chr2:159,438,297, A>T on the plus strand (T>A on the coding strand, the complement: BAZ2B is on the minus strand). VCF-style: chr2-159438297-A-T. GRCh37 (hg19) VCF-style: chr2-160294808-A-T.
Other names: c.1287+6T>A (NM_001289975.1); c.1104+6T>A (NM_001329857.2); c.1293+6T>A (NM_001329858.2).
Identifiers: ClinVar variation 3051532 (VCV003051532.2), dbSNP rs765105183, ClinGen allele CA2740095762.
Genomic context (GRCh38, chr2:159,438,297, plus strand): 5'-AAGACAATATAGAAGCTCTATCTTTCTCTAATAGTAAAATTCTTGTATAAATAATTTGTA[A>T]CTCACCCGTTTGGATCTCAATTCACTGGTCAATAAACTAGATTCTTCAGAGGTATTTTTA-3'

ClinVar aggregate classification (germline): Likely benign (0 of 4 stars; one submission).

Conditions:
BAZ2B-related disorder. Also called: BAZ2B-related condition.

Submission:

PreventionGenetics, part of Exact Sciences
Classification: Likely benign for BAZ2B-related condition. Last evaluated: 2020-01-27. Review status: no assertion criteria provided. Collection method: clinical testing. Allele origin: germline.
Comment: This variant is classified as likely benign based on ACMG/AMP sequence variant interpretation guidelines (Richards et al. 2015 PMID: 25741868, with internal and published modifications).